The following is an entry in ClinVar:

NM_001127392.3(MYRF):c.1256C>T (p.Thr419Met)

Gene: MYRF (myelin regulatory factor; plus strand). Cytogenetic location: 11q12.2.
Variant type: single nucleotide variant.
Coding change: c.1256C>T on transcript NM_001127392.3 (MANE Select); coding-DNA position 1256, C replaced by T.
Protein change: p.Thr419Met; replaces threonine 419 with methionine.
Molecular consequence: missense variant.
Genome position (GRCh38, 1-based): chr11:61,774,107, C>T. VCF-style: chr11-61774107-C-T. GRCh37 (hg19) VCF-style: chr11-61541579-C-T.
Other names: c.1229C>T, p.Thr410Met (NM_013279.4); short protein forms T410M, T419M.
Identifiers: ClinVar variation 161665 (VCV000161665.2), dbSNP rs193921094, ClinGen allele CA174558.

ClinVar aggregate classification (germline): Uncertain significance (0 of 4 stars; one submission).

Conditions:
Prostate cancer. Also called: Malignant tumor of prostate. Identifiers: Orphanet 1331, MedGen C0376358, MONDO:0008315, HP:0012125.

Allele frequency attached by ClinVar (database versions not stated): gnomAD 0.00001; gnomAD exomes below 0.00001.
gnomAD v4.1: 4 of 1,613,686 alleles (0.00025%); highest among the groups gnomAD compares: South Asian, 0.0011%; no homozygotes.

Submission:

Science for Life laboratory,  Karolinska Institutet
Classification: Uncertain significance for Malignant tumor of prostate. Review status: no assertion criteria provided. Collection method: not provided. Allele origin: somatic.
Comment: TumorID:SWE-91A,SWE-91B
ClinVar note: Converted during submission from Unknown to Uncertain significance.